The following is an entry in ClinVar:

ClinVar aggregate classification (germline): Uncertain significance (1 of 4 stars; one submission).

Conditions:
Adenylosuccinate lyase deficiency (ADSLD). Also called: ADSL DEFICIENCY. Identifiers: Orphanet 46, MedGen C0268126, MONDO:0007068, OMIM 103050.

Submission:

Labcorp Genetics (formerly Invitae), Labcorp
Classification: Uncertain significance for Adenylosuccinate lyase deficiency. Last evaluated: 2022-09-07. Review status: criteria provided, single submitter. Criteria: Invitae Variant Classification Sherloc (09022015). Collection method: clinical testing. Allele origin: germline.
Comment: This variant occurs in a non-coding region of the ADSL gene. It does not change the encoded amino acid sequence of the ADSL protein. This variant is not present in population databases (gnomAD no frequency). This variant has not been reported in the literature in individuals affected with ADSL-related conditions. Experimental studies and prediction algorithms are not available or were not evaluated, and the functional significance of this variant is currently unknown. In summary, the available evidence is currently insufficient to determine the role of this variant in disease. Therefore, it has been classified as a Variant of Uncertain Significance.

NC_000022.11:g.40345676G>A

Gene: ADSL (adenylosuccinate lyase; plus strand). Cytogenetic location: 22q13.1.
Variant type: single nucleotide variant.
Genome position: GRCh38 VCF-style: chr22-40345676-G-A. GRCh37 (hg19) VCF-style: chr22-40741680-G-A.
Identifiers: ClinVar variation 1358939 (VCV001358939.3), dbSNP rs1018543619, ClinGen allele CA324446358.
Genomic context (GRCh38, chr22:40,345,676, plus strand): 5'-TTCTATTTATTTATTTAATTCTTTTATTTTTTGGAGACGGAGTCTCGCTCTGTCGCCCAG[G>A]CTGGAGTGCAGTGGCGCGATCTTGGCTCACTGCAACCTCCGCCTTCCGGGTTCAAGAAAT-3'